The following is an entry in ClinVar:

ClinVar aggregate classification (germline): Uncertain significance (1 of 4 stars; one submission).

Submission:

GeneDx
Classification: Uncertain significance. Last evaluated: 2024-01-29. Review status: criteria provided, single submitter. Criteria: GeneDx Variant Classification Process June 2021. Collection method: clinical testing. Allele origin: germline. Affected: yes.
Comment: Not observed at significant frequency in large population cohorts (gnomAD); In silico analysis supports that this missense variant has a deleterious effect on protein structure/function; Has not been previously published as pathogenic or benign to our knowledge

NM_001148.6(ANK2):c.8068C>A (p.Gln2690Lys)

Gene: ANK2 (ankyrin 2; plus strand). Cytogenetic location: 4q26.
Variant type: single nucleotide variant.
Coding change: c.8068C>A on transcript NM_001148.6 (MANE Select); coding-DNA position 8068, C replaced by A.
Protein change: p.Gln2690Lys; replaces glutamine 2690 with lysine.
Molecular consequence: missense variant. On other transcripts: intron variant (68).
Genome position (GRCh38, 1-based): chr4:113,356,686, C>A. VCF-style: chr4-113356686-C-A. GRCh37 (hg19) VCF-style: chr4-114277842-C-A.
Other names: c.7834C>A, p.Gln2612Lys (NM_001386142.1); c.4468C>A, p.Gln1490Lys (NM_001386166.1); c.8209C>A, p.Gln2737Lys (NM_001386174.1); c.8185C>A, p.Gln2729Lys (NM_001386175.1); c.4412-4137C>A (NM_001386186.2, NM_001386148.2); c.4214-4137C>A (NM_001354269.3); c.4292-4137C>A (NM_001386187.2); c.4253-4137C>A (NM_001386147.1); and 35 more; short protein forms Q1490K, Q2612K, Q2690K, Q2729K, Q2737K.
Identifiers: ClinVar variation 3368483 (VCV003368483.1).